The following is an entry in ClinVar:

NM_000132.4(F8):c.4406T>C (p.Leu1469Ser)

Gene: F8 (coagulation factor VIII; minus strand). Cytogenetic location: Xq28.
Variant type: single nucleotide variant.
Coding change: c.4406T>C on transcript NM_000132.4 (MANE Select); coding-DNA position 4406, T replaced by C.
Protein change: p.Leu1469Ser; replaces leucine 1469 with serine.
Molecular consequence: missense variant.
Genome position (GRCh38, 1-based): chrX:154,929,384, A>G on the plus strand (T>C on the coding strand, the complement: F8 is on the minus strand). VCF-style: chrX-154929384-A-G. GRCh37 (hg19) VCF-style: chrX-154157659-A-G.
Other names: short protein forms L1469S.
Identifiers: ClinVar variation 3339224 (VCV003339224.1).

ClinVar aggregate classification (germline): Uncertain significance (1 of 4 stars; one submission).

Submission:

Women's Health and Genetics/Laboratory Corporation of America, LabCorp
Classification: Uncertain significance. Last evaluated: 2024-07-01. Review status: criteria provided, single submitter. Criteria: LabCorp Variant Classification Summary - May 2015. Collection method: clinical testing. Allele origin: germline.
Comment: Variant summary: F8 c.4406T>C (p.Leu1469Ser) results in a non-conservative amino acid change in the encoded protein sequence. Three of five in-silico tools predict a benign effect of the variant on protein function. The variant was absent in 183030 control chromosomes. c.4406T>C has been reported in the literature in individuals affected with Factor VIII Deficiency (Hemophilia A) (e.g. Rydz_2013). These data indicate that the variant may be associated with disease. To our knowledge, no experimental evidence demonstrating an impact on protein function has been reported. The following publication have been ascertained in the context of this evaluation (PMID: 23913812). No submitters have cited clinical-significance assessments for this variant to ClinVar. Based on the evidence outlined above, the variant was classified as VUS-possibly pathogenic.

Literature cited by the submitters: PubMed 23913812.